The following is an entry in ClinVar:

NM_001844.5(COL2A1):c.942G>A (p.Pro314=)

Gene: COL2A1 (collagen type II alpha 1 chain; minus strand). Cytogenetic location: 12q13.11.
Variant type: single nucleotide variant.
Coding change: c.942G>A on transcript NM_001844.5 (MANE Select); coding-DNA position 942, G replaced by A.
Protein change: p.Pro314=; no amino-acid change (proline 314 retained).
Molecular consequence: synonymous variant.
Genome position (GRCh38, 1-based): chr12:47,993,485, C>T on the plus strand (G>A on the coding strand, the complement: COL2A1 is on the minus strand). VCF-style: chr12-47993485-C-T. GRCh37 (hg19) VCF-style: chr12-48387268-C-T.
Other names: c.735G>A, p.Pro245= (NM_033150.3).
Identifiers: ClinVar variation 726992 (VCV000726992.10), dbSNP rs772688503, ClinGen allele CA6535698.
Genomic context (GRCh38, chr12:47,993,485, plus strand): 5'-TGATAAACCTTCCTGGAGGGTGTCCATACTTACCATTGGGCCCGGAGATCCGTTCTCACC[C>T]GGGGAACCACTCTCACCCTGGAAAAATGATGCACAAGGTCAGTGTCTGGGACCCCATTCT-3'
Protein context (NP_001835.3, residues 304-324): APGVKGESGS[Pro314=]GENGSPGPMG

ClinVar aggregate classification (germline): Likely benign. Review status: criteria provided, multiple submitters, no conflicts (2 of 4 stars). 3 submissions from 3 submitters: Likely benign (2). 1 of the submissions does not count toward it. Last evaluated 2025-07-30.

Conditions:
COL2A1-related disorder. Also called: COL2A1-related condition; COL2A1-related disorders.

Allele frequency attached by ClinVar (database versions not stated): ExAC 0.00001; gnomAD 0.00003; TOPMed 0.00005.
gnomAD v4.1: 22 of 1,613,788 alleles (0.0014%); highest among the groups gnomAD compares: Middle Eastern, 0.033%; no homozygotes.

Submissions (3):

Labcorp Genetics (formerly Invitae), Labcorp
Classification: Likely benign. Last evaluated: 2025-07-30. Review status: criteria provided, single submitter. Criteria: Invitae Variant Classification Sherloc (09022015). Collection method: clinical testing. Allele origin: germline.

Blueprint Genetics
Classification: Likely benign. Last evaluated: 2023-08-24. Review status: criteria provided, single submitter. Criteria: ACMG Guidelines, 2015. Collection method: clinical testing. Allele origin: germline.

PreventionGenetics, part of Exact Sciences
Classification: Likely benign for COL2A1-related condition. Last evaluated: 2024-05-24. Review status: no assertion criteria provided. Collection method: clinical testing. Allele origin: germline. Not counted in ClinVar's aggregate classification.
Comment: This variant is classified as likely benign based on ACMG/AMP sequence variant interpretation guidelines (Richards et al. 2015 PMID: 25741868, with internal and published modifications).